The following is an entry in ClinVar:

NM_153700.2(STRC):c.5200T>C (p.Trp1734Arg)

Gene: STRC (stereocilin; minus strand). Cytogenetic location: 15q15.3.
Variant type: single nucleotide variant.
Coding change: c.5200T>C on transcript NM_153700.2 (MANE Select); coding-DNA position 5200, T replaced by C.
Protein change: p.Trp1734Arg; replaces tryptophan 1734 with arginine.
Molecular consequence: missense variant.
Genome position (GRCh38, 1-based): chr15:43,599,999, A>G on the plus strand (T>C on the coding strand, the complement: STRC is on the minus strand). VCF-style: chr15-43599999-A-G. GRCh37 (hg19) VCF-style: chr15-43892197-A-G.
Other names: short protein forms W1734R.
Identifiers: ClinVar variation 505196 (VCV000505196.36), dbSNP rs200770543, ClinGen allele CA7527782.

ClinVar aggregate classification (germline): Benign/Likely benign. Review status: criteria provided, multiple submitters, no conflicts (2 of 4 stars). 6 submissions from 6 submitters: Benign (1); Likely benign (5). Last evaluated 2025-04-01.

Conditions:
Autosomal recessive nonsyndromic hearing loss 16. Also called: DFNB16 Nonsyndromic Hearing Loss and Deafness; DEAFNESS, AUTOSOMAL RECESSIVE 16. Identifiers: Orphanet 90636, MedGen C1863561, MONDO:0011364, OMIM 603720.

Allele frequency attached by ClinVar (database versions not stated): gnomAD exomes 0.00096 and 0.00172; 1000 Genomes Project 0.00100; ESP Exome Variant Server 0.00108; 1000 Genomes Project 30x 0.00109; gnomAD 0.00124; TOPMed 0.00129; ExAC 0.00171.

Submissions (6):

CeGaT Center for Human Genetics Tuebingen
Classification: Likely benign. Last evaluated: 2025-04-01. Review status: criteria provided, single submitter. Criteria: CeGaT Center For Human Genetics Tuebingen Variant Classification Criteria Version 2. Collection method: clinical testing. Allele origin: germline. Affected: yes. Observed: 2 variant alleles.
Comment: STRC: BS2

Blueprint Genetics
Classification: Likely benign. Last evaluated: 2024-11-04. Review status: criteria provided, single submitter. Criteria: ACMG Guidelines, 2015. Collection method: clinical testing. Allele origin: germline.

Athena Diagnostics
Classification: Benign. Last evaluated: 2019-01-25. Review status: criteria provided, single submitter. Criteria: Athena Diagnostics Criteria. Collection method: clinical testing. Allele origin: germline.

Laboratory for Molecular Medicine, Mass General Brigham Personalized Medicine
Classification: Likely benign. Last evaluated: 2016-06-21. Review status: criteria provided, single submitter. Criteria: LMM Criteria. Collection method: clinical testing. Allele origin: germline. Observed: 2 variant alleles.
Comment: p.Trp1734Arg in exon 28 of STRC: This variant is not expected to have clinical s ignificance because it has been identified in 0.3% (53/20438) of European chromo somes by the Exome Aggregation Consortium (ExAC; dbSNP rs200770543).

Breakthrough Genomics
Classification: Likely benign. Review status: criteria provided, single submitter. Criteria: ACMG Guidelines, 2015. Collection method: not provided. Allele origin: germline. Inheritance: Autosomal recessive inheritance. Affected: yes.

Genome-Nilou Lab
Classification: Likely benign for Autosomal recessive nonsyndromic hearing loss 16. Review status: criteria provided, single submitter. Criteria: ACMG Guidelines, 2015. Collection method: clinical testing. Allele origin: germline.